The following is an entry in ClinVar:

NM_002618.4(PEX13):c.325C>T (p.Arg109Cys)

Gene: PEX13 (peroxisomal biogenesis factor 13; plus strand). Cytogenetic location: 2p15.
Variant type: single nucleotide variant.
Coding change: c.325C>T on transcript NM_002618.4 (MANE Select); coding-DNA position 325, C replaced by T.
Protein change: p.Arg109Cys; replaces arginine 109 with cysteine.
Molecular consequence: missense variant.
Genome position (GRCh38, 1-based): chr2:61,031,651, C>T. VCF-style: chr2-61031651-C-T. GRCh37 (hg19) VCF-style: chr2-61258786-C-T.
Other names: short protein forms R109C.
Identifiers: ClinVar variation 500870 (VCV000500870.18), dbSNP rs143972531, ClinGen allele CA1673278.

ClinVar aggregate classification (germline): Conflicting classifications of pathogenicity. Review status: criteria provided, conflicting classifications (1 of 4 stars). 4 submissions from 4 submitters: Uncertain significance (1); Likely benign (2). 1 of the submissions does not count toward it. Last evaluated 2026-01-09.

Conditions:
Peroxisome biogenesis disorder 11A (Zellweger). Also called: Peroxisome biogenesis disorder 11A. Identifiers: Orphanet 912, MedGen C3554000, MONDO:0013949, OMIM 614883.
PEX13-related disorder. Also called: PEX13-related disorders; PEX13-related condition.

Allele frequency attached by ClinVar (database versions not stated): gnomAD exomes 0.00019; ExAC 0.00022; TOPMed 0.00047; gnomAD 0.00055 and 0.00058; ESP Exome Variant Server 0.00077; 1000 Genomes Project 30x 0.00094; 1000 Genomes Project 0.00100.
gnomAD v4.1: 170 of 1,614,112 alleles (0.011%); highest among the groups gnomAD compares: African/African-American, 0.16%; no homozygotes.

Submissions (4):

Labcorp Genetics (formerly Invitae), Labcorp
Classification: Likely benign for Peroxisome biogenesis disorder 11A (Zellweger). Last evaluated: 2026-01-09. Review status: criteria provided, single submitter. Criteria: Invitae Variant Classification Sherloc (09022015). Collection method: clinical testing. Allele origin: germline.

Blueprint Genetics
Classification: Likely benign. Last evaluated: 2024-07-30. Review status: criteria provided, single submitter. Criteria: ACMG Guidelines, 2015. Collection method: clinical testing. Allele origin: germline.

Eurofins Ntd Llc (ga)
Classification: Uncertain significance. Last evaluated: 2018-03-06. Review status: criteria provided, single submitter. Criteria: EGL ClinVar v180209 classification definitions. Collection method: clinical testing. Allele origin: germline. Observed: 4 variant alleles, 4 heterozygotes.

PreventionGenetics, part of Exact Sciences
Classification: Likely benign for PEX13-related condition. Last evaluated: 2022-06-29. Review status: no assertion criteria provided. Collection method: clinical testing. Allele origin: germline. Not counted in ClinVar's aggregate classification.
Comment: This variant is classified as likely benign based on ACMG/AMP sequence variant interpretation guidelines (Richards et al. 2015 PMID: 25741868, with internal and published modifications).